The following is an entry in ClinVar:

NM_000836.4(GRIN2D):c.3258C>G (p.Gly1086=)

Gene: GRIN2D (glutamate ionotropic receptor NMDA type subunit 2D; plus strand). Cytogenetic location: 19q13.33.
Variant type: single nucleotide variant.
Coding change: c.3258C>G on transcript NM_000836.4 (MANE Select); coding-DNA position 3258, C replaced by G.
Protein change: p.Gly1086=; no amino-acid change (glycine 1086 retained).
Molecular consequence: synonymous variant.
Genome position (GRCh38, 1-based): chr19:48,443,184, C>G. VCF-style: chr19-48443184-C-G. GRCh37 (hg19) VCF-style: chr19-48946441-C-G.
Identifiers: ClinVar variation 5000378 (VCV005000378.1).

ClinVar aggregate classification (germline): Likely benign (1 of 4 stars; one submission).

Conditions:
GRIN2D-related disorder. Also called: GRIN2D-related condition.

Submission:

PreventionGenetics, part of Exact Sciences
Classification: Likely benign for GRIN2D-related condition. Last evaluated: 2024-11-25. Review status: criteria provided, single submitter. Criteria: ACMG Guidelines, 2015. Collection method: clinical testing. Allele origin: germline.
Comment: This variant is classified as likely benign based on ACMG/AMP sequence variant interpretation guidelines (Richards et al. 2015 PMID: 25741868, with internal and published modifications).